The following is an entry in ClinVar:

NM_000020.3(ACVRL1):c.1234_1235delinsCA (p.Thr412His)

Gene: ACVRL1 (activin A receptor like type 1; plus strand). Cytogenetic location: 12q13.13.
Variant type: Indel.
Coding change: c.1234_1235delinsCA on transcript NM_000020.3 (MANE Select); coding-DNA positions 1234 to 1235, AC replaced by CA.
Protein change: p.Thr412His; replaces threonine 412 with histidine.
Molecular consequence: missense variant. On other transcripts: intron variant (1).
Genome position (GRCh38, 1-based): chr12:51,916,221-51,916,222, AC replaced by CA. VCF-style: chr12-51916221-AC-CA. GRCh37 (hg19) VCF-style: chr12-52310005-AC-CA.
Other names: c.1234_1235delinsCA, p.Thr412His (NM_001406488.1, NM_001406489.1, NM_001077401.2 and 1 more transcripts); c.922_923delinsCA, p.Thr308His (NM_001406490.1, NM_001406491.1, NM_001406492.1 and 1 more transcripts); c.670_671delinsCA, p.Thr224His (NM_001406495.1); c.736+721_736+722delinsCA (NM_001406494.1); short protein forms T308H, T224H, T412H.
Identifiers: ClinVar variation 4722031 (VCV004722031.1).
Genomic context (GRCh38, chr12:51,916,221, plus strand): 5'-TCCTACAAGTGGACTGACATCTGGGCCTTTGGCCTGGTGCTGTGGGAGATTGCCCGCCGG[AC>CA]CATCGTGAATGGTGAGGGCCCACCCTACACAGGGTAGGGAAAGGGGAATCAGCCTGTGGA-3'
Protein context (NP_000011.2, residues 402-422): GLVLWEIARR[Thr412His]IVNGIVEDYR

ClinVar aggregate classification (germline): Uncertain significance (1 of 4 stars; one submission).

Conditions:
Telangiectasia, hereditary hemorrhagic, type 2 (HHT2). Also called: ACVRL1-Related Hereditary Hemorrhagic Telangiectasia; Telangiectasia, hereditary hemorrhagic, type II. Identifiers: Orphanet 774, MedGen C1838163, MONDO:0010880, OMIM 600376. Disease mechanism: loss of function.

Submission:

Labcorp Genetics (formerly Invitae), Labcorp
Classification: Uncertain significance for Telangiectasia, hereditary hemorrhagic, type 2. Last evaluated: 2025-07-27. Review status: criteria provided, single submitter. Criteria: Invitae Variant Classification Sherloc (09022015). Collection method: clinical testing. Allele origin: germline.
Comment: This sequence change replaces threonine, which is neutral and polar, with histidine, which is basic and polar, at codon 412 of the ACVRL1 protein (p.Thr412His). Information on the frequency of this variant in the gnomAD database is not available, as this variant may be reported differently in the database. This missense change has been observed in individual(s) with hereditary hemorrhagic telangiectasia (internal data). An algorithm developed to predict the effect of missense changes on protein structure and function (PolyPhen-2) suggests that this variant is likely to be disruptive. In summary, the available evidence is currently insufficient to determine the role of this variant in disease. Therefore, it has been classified as a Variant of Uncertain Significance.